The following is an entry in ClinVar:

NM_001130438.3(SPTAN1):c.1806+23A>G

Gene: SPTAN1 (spectrin alpha, non-erythrocytic 1; plus strand). Cytogenetic location: 9q34.11.
Variant type: single nucleotide variant.
Coding change: c.1806+23A>G on transcript NM_001130438.3 (MANE Select); 23 bases into the intron after coding-DNA position 1806, A replaced by G.
Molecular consequence: intron variant.
Genome position (GRCh38, 1-based): chr9:128,582,872, A>G. VCF-style: chr9-128582872-A-G. GRCh37 (hg19) VCF-style: chr9-131345151-A-G.
Other names: c.1842+23A>G (NM_001375318.1, NM_001375312.2, NM_001438440.1); c.1806+23A>G (NM_001375311.2, NM_001375314.2, NM_001375310.1 and 10 more transcripts).
Identifiers: ClinVar variation 4990026 (VCV004990026.1).

ClinVar aggregate classification (germline): Likely benign (1 of 4 stars; one submission).

Conditions:
SPTAN1-related disorder. Also called: SPTAN1-related disorders; SPTAN1-related condition.

gnomAD v4.1: 153 of 1,611,004 alleles (0.0095%); highest among the groups gnomAD compares: African/African-American, 0.17%; no homozygotes.

Submission:

PreventionGenetics, part of Exact Sciences
Classification: Likely benign for SPTAN1-related condition. Last evaluated: 2026-02-03. Review status: criteria provided, single submitter. Criteria: ACMG Guidelines, 2015. Collection method: clinical testing. Allele origin: germline.
Comment: This variant is classified as likely benign based on ACMG/AMP sequence variant interpretation guidelines (Richards et al. 2015 PMID: 25741868, with internal and published modifications).